The following is an entry in ClinVar:

NM_198428.3(BBS9):c.1138G>T (p.Glu380Ter)

Gene: BBS9 (Bardet-Biedl syndrome 9; plus strand). Cytogenetic location: 7p14.3.
Variant type: single nucleotide variant.
Coding change: c.1138G>T on transcript NM_198428.3 (MANE Select); coding-DNA position 1138, G replaced by T.
Protein change: p.Glu380Ter; replaces glutamic acid 380 with a stop codon.
Molecular consequence: nonsense. On other transcripts: non-coding transcript variant (3).
Genome position (GRCh38, 1-based): chr7:33,336,562, G>T. VCF-style: chr7-33336562-G-T. GRCh37 (hg19) VCF-style: chr7-33376174-G-T.
Other names: c.1138G>T, p.Glu380Ter (NM_001033604.2, NM_001033605.2, NM_001348036.1 and 5 more transcripts); c.772G>T, p.Glu258Ter (NM_001348037.3, NM_001348044.3, NM_001348045.3 and 1 more transcripts); c.865G>T, p.Glu289Ter (NM_001348038.3, NM_001348039.3); c.1003G>T, p.Glu335Ter (NM_001348042.3); short protein forms E258*, E289*, E335*, E380*.
Identifiers: ClinVar variation 983105 (VCV000983105.3), dbSNP rs370729939, ClinGen allele CA4214197.

ClinVar aggregate classification (germline): Pathogenic/Likely pathogenic. Review status: criteria provided, multiple submitters, no conflicts (2 of 4 stars). 3 submissions from 3 submitters: Pathogenic (2); Likely pathogenic (1). Last evaluated 2024-05-10.

Conditions:
Bardet-Biedl syndrome 9 (BBS9). Identifiers: Orphanet 110, MedGen C1859567, MONDO:0014437, OMIM 615986.

Allele frequency attached by ClinVar (database versions not stated): gnomAD exomes below 0.00001; TOPMed below 0.00001; ExAC 0.00001; gnomAD 0.00001; ESP Exome Variant Server 0.00008.
gnomAD v4.1: 3 of 1,613,048 alleles (0.00019%); highest among the groups gnomAD compares: South Asian, 0.0011%; no homozygotes.

Submissions (3):

Fulgent Genetics
Classification: Likely pathogenic for Bardet-Biedl syndrome 9. Last evaluated: 2024-05-10. Review status: criteria provided, single submitter. Criteria: ACMG Guidelines, 2015. Collection method: clinical testing. Allele origin: germline.

Institute of Human Genetics, University of Leipzig Medical Center
Classification: Pathogenic for Bardet-Biedl syndrome 9. Last evaluated: 2019-01-01. Review status: criteria provided, single submitter. Criteria: ACMG Guidelines, 2015. Collection method: clinical testing. Allele origin: unknown. Affected: yes.
Comment: This variant was identified as compound heterozygous.

Juno Genomics, Hangzhou Juno Genomics, Inc
Classification: Pathogenic for Bardet-Biedl syndrome 9. Review status: criteria provided, single submitter. Criteria: ACMG Guidelines, 2015. Collection method: clinical testing. Allele origin: germline. Affected: yes.
Comment: Absent from controls (or at extremely low frequency if recessive) in Genome Aggregation Database.;Null variant in a gene where loss of function (LOF) is a known mechanism of disease.;Patient's phenotype or family history is highly specific for a disease with a single genetic etiology.